The following is an entry in ClinVar:

NM_006765.4(TUSC3):c.*789C>T

Gene: TUSC3 (tumor suppressor candidate 3; plus strand). Cytogenetic location: 8p22.
Variant type: single nucleotide variant.
Coding change: c.*789C>T on transcript NM_006765.4 (MANE Select); 789 bases downstream of the stop codon, C replaced by T.
Molecular consequence: 3 prime UTR variant.
Genome position (GRCh38, 1-based): chr8:15,764,945, C>T. VCF-style: chr8-15764945-C-T. GRCh37 (hg19) VCF-style: chr8-15622454-C-T.
Other names: c.*727C>T (NM_178234.2).
Identifiers: ClinVar variation 362319 (VCV000362319.6), dbSNP rs352809, ClinGen allele CA10630512.

ClinVar aggregate classification (germline): Benign. Review status: criteria provided, multiple submitters, no conflicts (2 of 4 stars). 2 submissions from 2 submitters: Benign (2). Last evaluated 2018-01-12.

Conditions:
Congenital disorder of glycosylation (CDG). Also called: Carbohydrate-deficient glycoprotein syndrome; Congenital disorders of glycosylation. Identifiers: Orphanet 137, MedGen C0282577, MONDO:0015286.

Allele frequency attached by ClinVar (database versions not stated): 1000 Genomes Project 0.74421; gnomAD 0.74767; gnomAD exomes 0.75000; TOPMed 0.75774.
gnomAD v4.1: 113,361 of 151,706 alleles (75%); highest among the groups gnomAD compares: African/African-American, 81%; 42,540 homozygotes.

Submissions (2):

Illumina Laboratory Services, Illumina
Classification: Benign for Congenital disorder of glycosylation. Last evaluated: 2018-01-12. Review status: criteria provided, single submitter. Criteria: ICSL Variant Classification Criteria 13 December 2019. Collection method: clinical testing. Allele origin: germline.
Comment: This variant was observed in the ICSL laboratory as part of a predisposition screen in an ostensibly healthy population. It had not been previously curated by ICSL or reported in the Human Gene Mutation Database (HGMD: prior to June 1st, 2018), and was therefore a candidate for classification through an automated scoring system. Utilizing variant allele frequency, disease prevalence and penetrance estimates, and inheritance mode, an automated score was calculated to assess if this variant is too frequent to cause the disease. Based on the score and internal cut-off values, a variant classified as benign is not then subjected to further curation. The score for this variant resulted in a classification of benign for this disease.

Breakthrough Genomics
Classification: Benign. Review status: criteria provided, single submitter. Criteria: ACMG Guidelines, 2015. Collection method: not provided. Allele origin: germline. Inheritance: Autosomal recessive inheritance. Affected: yes.